The following is an entry in ClinVar:

NM_000169.3(GLA):c.192C>T (p.Ile64=)

Genes: GLA (galactosidase alpha; minus strand), RPL36A-HNRNPH2 (RPL36A-HNRNPH2 readthrough; plus strand). Cytogenetic location: Xq22.1.
Variant type: single nucleotide variant.
Coding change: c.192C>T on transcript NM_000169.3 (MANE Select); coding-DNA position 192, C replaced by T.
Protein change: p.Ile64=; no amino-acid change (isoleucine 64 retained).
Molecular consequence: synonymous variant. On other transcripts: non-coding transcript variant (3), intron variant (2).
Genome position (GRCh38, 1-based): chrX:101,407,712, G>A on the plus strand (C>T on the coding strand, the complement: GLA is on the minus strand). VCF-style: chrX-101407712-G-A. GRCh37 (hg19) VCF-style: chrX-100662700-G-A.
Other names: c.192C>T, p.Ile64= (NM_001406747.1, NM_001406748.1, NM_001406749.1); c.301-4224G>A (NM_001199973.2); c.178-4224G>A (NM_001199974.2).
Identifiers: ClinVar variation 1137628 (VCV001137628.15), dbSNP rs1555987080, ClinGen allele CA517525308.

ClinVar aggregate classification (germline): Conflicting classifications of pathogenicity. Review status: criteria provided, conflicting classifications (1 of 4 stars). 5 submissions from 5 submitters: Uncertain significance (3); Likely benign (2). Last evaluated 2026-09-08.

Conditions:
Cardiovascular phenotype. Identifiers: MedGen CN230736.
Fabry disease. Also called: Fabry's disease; Angiokeratoma corporis diffusum; ALPHA-GALACTOSIDASE A DEFICIENCY; ANDERSON-FABRY DISEASE; CERAMIDE TRIHEXOSIDASE DEFICIENCY; GLA DEFICIENCY. Identifiers: Orphanet 324, MedGen C0002986, MONDO:0010526, OMIM 301500, HP:0001071. Disease mechanism: loss of function, Fabry disease is due to inactivating mutations in the X-linked GLA gene resulting in deficiency of the enzyme Alpha Galactosidase-A..

Allele frequency attached by ClinVar (database versions not stated): TOPMed 0.00003; gnomAD exomes below 0.00001 and 0.00002; gnomAD 0.00002.
gnomAD v4.1: 6 of 1,205,492 alleles (0.0005%); highest among the groups gnomAD compares: African/African-American, 0.0053%; no homozygotes.

Submissions (5):

Genomenon, Inc
Classification: Uncertain significance for Fabry disease. Last evaluated: 2026-09-08. Review status: criteria provided, single submitter. Criteria: Genomenon Sequence Variant Interpretation Standards - Updated. Collection method: curation. Allele origin: germline. Affected: no.
Comment: GLA c.192C>T is a synonymous variant that retains Isoleucine at codon 64. This variant has been reported in the published literature (PMID:27585509). It is absent or not present at a significant frequency in gnomAD. In conclusion, we classify GLA p.Ile64= (c.192C>T) as a variant of uncertain significance.

CeGaT Center for Human Genetics Tuebingen
Classification: Likely benign. Last evaluated: 2026-07-01. Review status: criteria provided, single submitter. Criteria: CeGaT Center For Human Genetics Tuebingen Variant Classification Criteria Version 2. Collection method: clinical testing. Allele origin: germline. Affected: yes. Observed: 1 variant allele.
Comment: GLA: BP4, BP7

Labcorp Genetics (formerly Invitae), Labcorp
Classification: Likely benign for Fabry disease. Last evaluated: 2025-08-24. Review status: criteria provided, single submitter. Criteria: Invitae Variant Classification Sherloc (09022015). Collection method: clinical testing. Allele origin: germline.

Color Diagnostics, LLC DBA Color Health
Classification: Uncertain significance for Fabry disease. Last evaluated: 2024-04-12. Review status: criteria provided, single submitter. Criteria: ACMG Guidelines, 2015. Collection method: clinical testing. Allele origin: germline.
Comment: This synonymous variant causes a nucleotide substitution but does not change the encoded amino acid at codon 64 of the GLA protein. Splice site prediction tools are inconclusive regarding the impact of this variant on RNA splicing. To our knowledge, functional studies have not been reported for this variant. This variant has not been reported in individuals affected with GLA-related disorders in the literature. This variant has been identified in 5/205056 chromosomes in the general population by the Genome Aggregation Database (gnomAD). The available evidence is insufficient to determine the role of this variant in disease conclusively. Therefore, this variant is classified as a Variant of Uncertain Significance.

Ambry Genetics
Classification: Uncertain significance for Cardiovascular phenotype. Last evaluated: 2022-10-03. Review status: criteria provided, single submitter. Criteria: Ambry Variant Classification Scheme 2023. Collection method: clinical testing. Allele origin: germline.
Comment: The c.192C>T variant (also known as p.I64I), located in coding exon 1 of the GLA gene, results from a C to T substitution at nucleotide position 192. This nucleotide substitution does not change the isoleucine at codon 64. This nucleotide position is not well conserved in available vertebrate species. Based on data from gnomAD, the T allele has an overall frequency of <0.01% (5/205056) total alleles studied, with 1 hemizygote(s) observed. The highest observed frequency was 0.02% (3/19014) of African alleles. In silico splice site analysis for this alteration is inconclusive. Since supporting evidence is limited at this time, the clinical significance of this alteration remains unclear.

Literature cited by the submitters: PubMed 27585509 (cited by Genomenon, Inc).